The following is an entry in ClinVar:

NM_198578.4(LRRK2):c.1401T>A (p.Asn467Lys)

Gene: LRRK2 (leucine rich repeat kinase 2; plus strand). Cytogenetic location: 12q12.
Variant type: single nucleotide variant.
Coding change: c.1401T>A on transcript NM_198578.4 (MANE Select); coding-DNA position 1401, T replaced by A.
Protein change: p.Asn467Lys; replaces asparagine 467 with lysine.
Molecular consequence: missense variant.
Genome position (GRCh38, 1-based): chr12:40,257,360, T>A. VCF-style: chr12-40257360-T-A. GRCh37 (hg19) VCF-style: chr12-40651162-T-A.
Other names: short protein forms N467K.
Identifiers: ClinVar variation 1771824 (VCV001771824.2), dbSNP rs1209889977, ClinGen allele CA384410875.
Genomic context (GRCh38, chr12:40,257,360, plus strand): 5'-GTTAATGCAGAAGCATATACATTCTCCTGAAGTGGCTGAAAGTGGCTGTAAAATGCTAAA[T>A]CATCTTTTTGAAGGAAGGTAATATAGATTCATTAACTTGTACAGAATATATCATATTGGG-3'
Protein context (NP_940980.4, residues 457-477): EVAESGCKML[Asn467Lys]HLFEGSNTSL

ClinVar aggregate classification (germline): Uncertain significance (1 of 4 stars; one submission).

Conditions:
Inborn genetic diseases. Identifiers: MedGen C0950123, MeSH D030342.

Allele frequency attached by ClinVar (database versions not stated): TOPMed below 0.00001; gnomAD 0.00001.
gnomAD v4.1: 1 of 1,612,726 alleles (0.000062%); highest among the groups gnomAD compares: Admixed American, 0.0017%; no homozygotes.

Submission:

Ambry Genetics
Classification: Uncertain significance for Inborn genetic diseases. Last evaluated: 2022-03-14. Review status: criteria provided, single submitter. Criteria: Ambry Variant Classification Scheme 2023. Collection method: clinical testing. Allele origin: germline.
Comment: The p.N467K variant (also known as c.1401T>A), located in coding exon 12 of the LRRK2 gene, results from a T to A substitution at nucleotide position 1401. The asparagine at codon 467 is replaced by lysine, an amino acid with similar properties. This amino acid position is conserved. In addition, this alteration is predicted to be tolerated by in silico analysis. Since supporting evidence is limited at this time, the clinical significance of this alteration remains unclear.